The following is an entry in ClinVar:

ClinVar aggregate classification (germline): Uncertain significance. Review status: criteria provided, multiple submitters, no conflicts (2 of 4 stars). 2 submissions from 2 submitters: Uncertain significance (2). Last evaluated 2024-08-24.

Conditions:
Inborn genetic diseases. Identifiers: MedGen C0950123, MeSH D030342.

Allele frequency attached by ClinVar (database versions not stated): TOPMed below 0.00001; gnomAD exomes 0.00001; gnomAD 0.00002.

Submissions (2):

Labcorp Genetics (formerly Invitae), Labcorp
Classification: Uncertain significance. Last evaluated: 2024-08-24. Review status: criteria provided, single submitter. Criteria: Invitae Variant Classification Sherloc (09022015). Collection method: clinical testing. Allele origin: germline.
Comment: This sequence change replaces glutamine, which is neutral and polar, with histidine, which is basic and polar, at codon 238 of the MYO18B protein (p.Gln238His). The frequency data for this variant in the population databases is considered unreliable, as metrics indicate poor data quality at this position in the gnomAD database. This variant has not been reported in the literature in individuals affected with MYO18B-related conditions. ClinVar contains an entry for this variant (Variation ID: 1489510). An algorithm developed to predict the effect of missense changes on protein structure and function (PolyPhen-2) suggests that this variant is likely to be disruptive. In summary, the available evidence is currently insufficient to determine the role of this variant in disease. Therefore, it has been classified as a Variant of Uncertain Significance.

Ambry Genetics
Classification: Uncertain significance for Inborn genetic diseases. Last evaluated: 2022-10-27. Review status: criteria provided, single submitter. Criteria: Ambry Variant Classification Scheme 2023. Collection method: clinical testing. Allele origin: germline.

NM_032608.7(MYO18B):c.714A>C (p.Gln238His)

Gene: MYO18B (myosin XVIIIB; plus strand). Cytogenetic location: 22q12.1.
Variant type: single nucleotide variant.
Coding change: c.714A>C on transcript NM_032608.7 (MANE Select); coding-DNA position 714, A replaced by C.
Protein change: p.Gln238His; replaces glutamine 238 with histidine.
Molecular consequence: missense variant.
Genome position (GRCh38, 1-based): chr22:25,768,630, A>C. VCF-style: chr22-25768630-A-C. GRCh37 (hg19) VCF-style: chr22-26164597-A-C.
Other names: c.714A>C, p.Gln238His (NM_001318245.2); c.714A>C (NM_032608.5); short protein forms Q238H.
Identifiers: ClinVar variation 1489510 (VCV001489510.5), dbSNP rs1232898395, ClinGen allele CA411003156.
Genomic context (GRCh38, chr22:25,768,630, plus strand): 5'-TGGGGGTCTTGGGGACCCAGGCCAAGGAACTGTGGCACTGAAAAAAGGCGAGGAGGGTCA[A>C]AGCATAGTGGGGAAGGGGCTTGGGACCCCCAAGACCACAGAGCTGAAAGAGGCTGAGCCC-3'
Protein context (NP_115997.5, residues 228-248): TVALKKGEEG[Gln238His]SIVGKGLGTP